The following is an entry in ClinVar:

NM_000083.3(CLCN1):c.2179_2186del (p.Pro727fs)

Gene: CLCN1 (chloride voltage-gated channel 1; plus strand). Cytogenetic location: 7q34.
Variant type: Deletion.
Coding change: c.2179_2186del on transcript NM_000083.3 (MANE Select); coding-DNA positions 2179 to 2186, 8 bases deleted (CCTTCCCT; older notation c.2179_2186delCCTTCCCT).
Protein change: p.Pro727fs; shifts the reading frame from proline 727.
Molecular consequence: frameshift variant. On other transcripts: non-coding transcript variant (1).
Genome position (GRCh38, 1-based): chr7:143,346,146-143,346,153, CCTTCCCT deleted; deleting any 8 consecutive bases within chr7:143,346,143-143,346,153 gives the same sequence; the c. name uses the placement nearest the transcript's 3' end. VCF-style (leftmost placement, unchanged base first): chr7-143346142-TCCTCCTTC-T. GRCh37 (hg19) VCF-style: chr7-143043235-TCCTCCTTC-T.
Other names: short protein forms P727fs.
Identifiers: ClinVar variation 3348907 (VCV003348907.1).

ClinVar aggregate classification (germline): Likely pathogenic (0 of 4 stars; one submission).

Conditions:
CLCN1-related disorder. Also called: CLCN1-related condition.

Submission:

PreventionGenetics, part of Exact Sciences
Classification: Likely pathogenic for CLCN1-related condition. Last evaluated: 2024-03-10. Review status: no assertion criteria provided. Collection method: clinical testing. Allele origin: germline.
Comment: The CLCN1 c.2179_2186del8 variant is predicted to result in a frameshift and premature protein termination (p.Pro727Cysfs*67). To our knowledge, this variant has not been reported in the literature or in a large population database, indicating this variant is rare. Frameshift variants in CLCN1 are expected to be pathogenic. This variant is interpreted as likely pathogenic.